The following is an entry in ClinVar:

ClinVar aggregate classification (germline): Pathogenic (1 of 4 stars; one submission).

Conditions:
DiGeorge syndrome. Also called: THIRD AND FOURTH PHARYNGEAL POUCH SYNDROME; Catch22. Identifiers: Orphanet 567, MedGen C0012236, MONDO:0008564, OMIM 188400.

Submission:

Labcorp Genetics (formerly Invitae), Labcorp
Classification: Pathogenic for DiGeorge syndrome. Last evaluated: 2026-01-11. Review status: criteria provided, single submitter. Criteria: Invitae Variant Classification Sherloc (09022015). Collection method: clinical testing. Allele origin: germline.
Comment: This sequence change creates a premature translational stop signal (p.Glu344*) in the TBX1 gene. While this is not anticipated to result in nonsense mediated decay, it is expected to disrupt the last 152 amino acid(s) of the TBX1 protein. This variant is not present in population databases (gnomAD no frequency). This variant has not been reported in the literature in individuals affected with TBX1-related conditions. This variant disrupts a region of the TBX1 protein in which other variant(s) (p.Ser408Trpfs*52) have been determined to be pathogenic (PMID: 14585638, 15703190). This suggests that this is a clinically significant region of the protein, and that variants that disrupt it are likely to be disease-causing. For these reasons, this variant has been classified as Pathogenic.

Literature cited by the submitters: PubMed 14585638; PubMed 15703190.

NM_001379200.1(TBX1):c.1057G>T (p.Glu353Ter)

Gene: TBX1 (T-box transcription factor 1; plus strand). Cytogenetic location: 22q11.21.
Variant type: single nucleotide variant.
Coding change: c.1057G>T on transcript NM_001379200.1 (MANE Select); coding-DNA position 1057, G replaced by T.
Protein change: p.Glu353Ter; replaces glutamic acid 353 with a stop codon.
Molecular consequence: nonsense. On other transcripts: intron variant (2).
Genome position (GRCh38, 1-based): chr22:19,766,409, G>T. VCF-style: chr22-19766409-G-T. GRCh37 (hg19) VCF-style: chr22-19753932-G-T.
Other names: c.1030G>T, p.Glu344Ter (NM_080647.1); c.1009+407G>T (NM_005992.1, NM_080646.2); short protein forms E344*, E353*.
Identifiers: ClinVar variation 4728536 (VCV004728536.1).